The following is an entry in ClinVar:

ClinVar aggregate classification (germline): Uncertain significance (1 of 4 stars; one submission).

Conditions:
Hereditary cancer-predisposing syndrome. Also called: Neoplastic Syndromes, Hereditary; Tumor predisposition; Hereditary Cancer Syndrome; Hereditary neoplastic syndrome. Identifiers: Orphanet 140162, MedGen C0027672, MeSH D009386, MONDO:0015356.

Submission:

Ambry Genetics
Classification: Uncertain significance for Hereditary cancer-predisposing syndrome. Last evaluated: 2025-11-24. Review status: criteria provided, single submitter. Criteria: Ambry Variant Classification Scheme 2023. Collection method: clinical testing. Allele origin: germline.
Comment: The p.S2062G variant (also known as c.6184A>G), located in coding exon 10 of the BRCA2 gene, results from an A to G substitution at nucleotide position 6184. The serine at codon 2062 is replaced by glycine, an amino acid with similar properties. This amino acid position is conserved. In addition, the in silico prediction for this alteration is inconclusive. Based on the available evidence, the clinical significance of this variant remains unclear.

NM_000059.4(BRCA2):c.6184A>G (p.Ser2062Gly)

Gene: BRCA2 (BRCA2 DNA repair associated; plus strand). Cytogenetic location: 13q13.1.
Variant type: single nucleotide variant.
Coding change: c.6184A>G on transcript NM_000059.4 (MANE Select); coding-DNA position 6184, A replaced by G.
Protein change: p.Ser2062Gly; replaces serine 2062 with glycine.
Molecular consequence: missense variant. On other transcripts: non-coding transcript variant (1), intron variant (2).
Genome position (GRCh38, 1-based): chr13:32,340,539, A>G. VCF-style: chr13-32340539-A-G. GRCh37 (hg19) VCF-style: chr13-32914676-A-G.
Other names: c.6184A>G, p.Ser2062Gly (NM_001406719.1, NM_001406720.1, NM_001432077.1); c.1910-4019A>G (NM_001406721.1); c.425-4019A>G (NM_001406722.1); short protein forms S2062G.
Identifiers: ClinVar variation 4627297 (VCV004627297.1).
Genomic context (GRCh38, chr13:32,340,539, plus strand): 5'-CAAAAAGGCTTTTCATATAATGTGGTAAATTCATCTGCTTTCTCTGGATTTAGTACAGCA[A>G]GTGGAAAGCAAGTTTCCATTTTAGAAAGTTCCTTACACAAAGTTAAGGGAGTGTTAGAGG-3'
Protein context (NP_000050.3, residues 2052-2072): SSAFSGFSTA[Ser2062Gly]GKQVSILESS